The following is an entry in ClinVar:

NM_002890.3(RASA1):c.1050-1G>T

Genes: CCNH (cyclin H; minus strand), RASA1 (RAS p21 protein activator 1; plus strand). Cytogenetic location: 5q14.3.
Variant type: single nucleotide variant.
Coding change: c.1050-1G>T on transcript NM_002890.3 (MANE Select); the canonical splice acceptor site of the intron before coding-DNA position 1050, G replaced by T.
Molecular consequence: splice acceptor variant. On other transcripts: intron variant (1).
Genome position (GRCh38, 1-based): chr5:87,346,671, G>T. VCF-style: chr5-87346671-G-T. GRCh37 (hg19) VCF-style: chr5-86642488-G-T.
Other names: NC_000005.9:g.86642488G>T; c.519-1G>T (NM_022650.3); c.934-33876C>A (NM_001364075.2).
Identifiers: ClinVar variation 4318739 (VCV004318739.1).

ClinVar aggregate classification (germline): Likely pathogenic (1 of 4 stars; one submission).

Conditions:
Capillary malformation-arteriovenous malformation syndrome. Also called: Capillary malformation-arteriovenous malformation. Identifiers: Orphanet 137667, MedGen C1842180, MONDO:0012016.

Submissions (2):

Labcorp Genetics (formerly Invitae), Labcorp
Classification: Likely pathogenic for Capillary malformation-arteriovenous malformation syndrome. Last evaluated: 2025-10-26. Review status: criteria provided, single submitter. Criteria: Invitae Variant Classification Sherloc (09022015). Collection method: clinical testing. Allele origin: germline.
Comment: This sequence change affects an acceptor splice site in intron 6 of the RASA1 gene. It is expected to disrupt RNA splicing. Variants that disrupt the donor or acceptor splice site typically lead to a loss of protein function (PMID: 16199547), and loss-of-function variants in RASA1 are known to be pathogenic (PMID: 24038909). This variant is not present in population databases (gnomAD no frequency). This variant has not been reported in the literature in individuals affected with RASA1-related conditions. Algorithms developed to predict the effect of sequence changes on RNA splicing suggest that this variant may disrupt the consensus splice site. In summary, the currently available evidence indicates that the variant is pathogenic, but additional data are needed to prove that conclusively. Therefore, this variant has been classified as Likely Pathogenic.

Dr. Peter K. Rogan Lab, Western University
No classification provided (evidence only). Condition: Colon adenocarcinoma. Review status: no classification provided. Collection method: in vitro. Allele origin: not applicable. Functional consequence: skipped exon, retained intron. Not counted in ClinVar's aggregate classification.

Literature cited by the submitters: PubMed 16199547 (cited by Labcorp Genetics (formerly Invitae), Labcorp); PubMed 24038909 (cited by Labcorp Genetics (formerly Invitae), Labcorp).